The following is an entry in ClinVar:

NM_004656.4(BAP1):c.2070C>A (p.Asn690Lys)

Gene: BAP1 (BRCA1 associated deubiquitinase 1; minus strand). Cytogenetic location: 3p21.1.
Variant type: single nucleotide variant.
Coding change: c.2070C>A on transcript NM_004656.4 (MANE Select); coding-DNA position 2070, C replaced by A.
Protein change: p.Asn690Lys; replaces asparagine 690 with lysine.
Molecular consequence: missense variant.
Genome position (GRCh38, 1-based): chr3:52,402,408, G>T on the plus strand (C>A on the coding strand, the complement: BAP1 is on the minus strand). VCF-style: chr3-52402408-G-T. GRCh37 (hg19) VCF-style: chr3-52436424-G-T.
Other names: c.2016C>A, p.Asn672Lys (NM_001410772.1); short protein forms N690K, N672K.
Identifiers: ClinVar variation 2125648 (VCV002125648.4), dbSNP rs1553644559, ClinGen allele CA353094524.

ClinVar aggregate classification (germline): Uncertain significance (1 of 4 stars; one submission).

Conditions:
BAP1-related tumor predisposition syndrome (TPDS1). Also called: TUMOR PREDISPOSITION SYNDROME 1; Tumor susceptibility linked to germline BAP1 mutations; COMMON Syndrome; BAP1 tumor predisposition syndrome. Identifiers: Orphanet 289539, MedGen C3280492, MONDO:0013692, OMIM 614327.

Submission:

Labcorp Genetics (formerly Invitae), Labcorp
Classification: Uncertain significance for BAP1-related tumor predisposition syndrome. Last evaluated: 2022-07-13. Review status: criteria provided, single submitter. Criteria: Invitae Variant Classification Sherloc (09022015). Collection method: clinical testing. Allele origin: germline.
Comment: This sequence change replaces asparagine, which is neutral and polar, with lysine, which is basic and polar, at codon 690 of the BAP1 protein (p.Asn690Lys). This variant is not present in population databases (gnomAD no frequency). This variant has not been reported in the literature in individuals affected with BAP1-related conditions. Algorithms developed to predict the effect of missense changes on protein structure and function (SIFT, PolyPhen-2, Align-GVGD) all suggest that this variant is likely to be tolerated. In summary, the available evidence is currently insufficient to determine the role of this variant in disease. Therefore, it has been classified as a Variant of Uncertain Significance.